The following is an entry in ClinVar:

NM_006129.5(BMP1):c.1184G>T (p.Arg395Leu)

Gene: BMP1 (bone morphogenetic protein 1; plus strand). Cytogenetic location: 8p21.3.
Variant type: single nucleotide variant.
Coding change: c.1184G>T on transcript NM_006129.5 (MANE Select); coding-DNA position 1184, G replaced by T.
Protein change: p.Arg395Leu; replaces arginine 395 with leucine.
Molecular consequence: missense variant. On other transcripts: non-coding transcript variant (2).
Genome position (GRCh38, 1-based): chr8:22,194,061, G>T. VCF-style: chr8-22194061-G-T. GRCh37 (hg19) VCF-style: chr8-22051574-G-T.
Other names: c.1184G>T, p.Arg395Leu (NM_001199.4); c.1184G>T (NM_006129.4); short protein forms R395L.
Identifiers: ClinVar variation 1445283 (VCV001445283.7), dbSNP rs375380551, ClinGen allele CA4664596.

ClinVar aggregate classification (germline): Uncertain significance. Review status: criteria provided, multiple submitters, no conflicts (2 of 4 stars). 2 submissions from 2 submitters: Uncertain significance (2). Last evaluated 2021-08-28.

Conditions:
Osteogenesis imperfecta type 13. Also called: OI, TYPE XIII; Osteogenesis imperfecta, type xiii. Identifiers: Orphanet 666, MedGen C3553887, MONDO:0013924, OMIM 614856.

Allele frequency attached by ClinVar (database versions not stated): ESP Exome Variant Server 0.00008.
gnomAD v4.1: 8 of 1,613,866 alleles (0.0005%); highest among the groups gnomAD compares: African/African-American, 0.0013%; no homozygotes.

Submissions (2):

Labcorp Genetics (formerly Invitae), Labcorp
Classification: Uncertain significance. Last evaluated: 2021-08-28. Review status: criteria provided, single submitter. Criteria: Invitae Variant Classification Sherloc (09022015). Collection method: clinical testing. Allele origin: germline.
Comment: This sequence change replaces arginine with leucine at codon 395 of the BMP1 protein (p.Arg395Leu). The arginine residue is highly conserved and there is a moderate physicochemical difference between arginine and leucine. This variant is present in population databases (rs375380551, ExAC 0.01%). This variant has not been reported in the literature in individuals affected with BMP1-related conditions. Algorithms developed to predict the effect of missense changes on protein structure and function are either unavailable or do not agree on the potential impact of this missense change (SIFT: "Deleterious"; PolyPhen-2: "Probably Damaging"; Align-GVGD: "Class C15"). In summary, the available evidence is currently insufficient to determine the role of this variant in disease. Therefore, it has been classified as a Variant of Uncertain Significance.

Revvity Omics, Revvity
Classification: Uncertain significance for Osteogenesis imperfecta type 13. Last evaluated: 2019-02-12. Review status: criteria provided, single submitter. Criteria: ACMG Guidelines, 2015. Collection method: clinical testing. Allele origin: germline.